The following is an entry in ClinVar:

ClinVar aggregate classification (germline): Likely benign (0 of 4 stars; one submission).

Conditions:
SEMA3E-related disorder. Also called: SEMA3E-related condition.

gnomAD v4.1: 1 of 1,614,112 alleles (0.000062%); no homozygotes.

Submission:

PreventionGenetics, part of Exact Sciences
Classification: Likely benign for SEMA3E-related condition. Last evaluated: 2022-11-23. Review status: no assertion criteria provided. Collection method: clinical testing. Allele origin: germline.
Comment: This variant is classified as likely benign based on ACMG/AMP sequence variant interpretation guidelines (Richards et al. 2015 PMID: 25741868, with internal and published modifications).

NM_012431.3(SEMA3E):c.2148G>A (p.Leu716=)

Gene: SEMA3E (semaphorin 3E; minus strand). Cytogenetic location: 7q21.11.
Variant type: single nucleotide variant.
Coding change: c.2148G>A on transcript NM_012431.3 (MANE Select); coding-DNA position 2148, G replaced by A.
Protein change: p.Leu716=; no amino-acid change (leucine 716 retained).
Molecular consequence: synonymous variant.
Genome position (GRCh38, 1-based): chr7:83,367,766, C>T on the plus strand (G>A on the coding strand, the complement: SEMA3E is on the minus strand). VCF-style: chr7-83367766-C-T. GRCh37 (hg19) VCF-style: chr7-82997082-C-T.
Other names: c.1968G>A, p.Leu656= (NM_001178129.2).
Identifiers: ClinVar variation 3354207 (VCV003354207.1).
Genomic context (GRCh38, chr7:83,367,766, plus strand): 5'-ATCTGTGCACCATACTTTCTCGCAGTATTCTTCCACTCTCTGGAAGTTGCTATAACCGAT[C>T]AGCTGCAAGAATTCCTTGTACCATGGTTTTGCTCCCTGCGAGATGCTACTCTGAGCAGGA-3'
Protein context (NP_036563.1, residues 706-726): AKPWYKEFLQ[Leu716=]IGYSNFQRVE